The following is an entry in ClinVar:

ClinVar aggregate classification (germline): Uncertain significance (1 of 4 stars; one submission).

Conditions:
Retinitis pigmentosa 12 (RP12). Also called: RP WITH OR WITHOUT PPRPE; RP WITH OR WITHOUT PRESERVED PARAARTERIOLE RETINAL PIGMENT EPITHELIUM; RETINITIS PIGMENTOSA WITH OR WITHOUT PARAARTERIOLAR PRESERVATION OF RETINAL PIGMENT EPITHELIUM. Identifiers: Orphanet 791, MedGen C1838647, MONDO:0010818, OMIM 600105.
Leber congenital amaurosis 8 (LCA8). Identifiers: Orphanet 65, MedGen C3151202, MONDO:0013453, OMIM 613835.

Allele frequency attached by ClinVar (database versions not stated): ExAC 0.00001; gnomAD exomes 0.00001; ESP Exome Variant Server 0.00008.
gnomAD v4.1: 12 of 1,613,994 alleles (0.00074%); highest among the groups gnomAD compares: Non-Finnish European, 0.00093%; no homozygotes.

Submission:

Labcorp Genetics (formerly Invitae), Labcorp
Classification: Uncertain significance for Leber congenital amaurosis 8; Retinitis pigmentosa 12. Last evaluated: 2022-07-02. Review status: criteria provided, single submitter. Criteria: Invitae Variant Classification Sherloc (09022015). Collection method: clinical testing. Allele origin: germline.
Comment: In summary, the available evidence is currently insufficient to determine the role of this variant in disease. Therefore, it has been classified as a Variant of Uncertain Significance. Algorithms developed to predict the effect of missense changes on protein structure and function are either unavailable or do not agree on the potential impact of this missense change (SIFT: "Deleterious"; PolyPhen-2: "Possibly Damaging"; Align-GVGD: "Class C0"). This variant has not been reported in the literature in individuals affected with CRB1-related conditions. This variant is present in population databases (rs369074728, gnomAD 0.0009%). This sequence change replaces arginine, which is basic and polar, with glycine, which is neutral and non-polar, at codon 771 of the CRB1 protein (p.Arg771Gly).

NM_201253.3(CRB1):c.2311A>G (p.Arg771Gly)

Gene: CRB1 (crumbs cell polarity complex component 1; plus strand). Cytogenetic location: 1q31.3.
Variant type: single nucleotide variant.
Coding change: c.2311A>G on transcript NM_201253.3 (MANE Select); coding-DNA position 2311, A replaced by G.
Protein change: p.Arg771Gly; replaces arginine 771 with glycine.
Molecular consequence: missense variant. On other transcripts: non-coding transcript variant (2), intron variant (1).
Genome position (GRCh38, 1-based): chr1:197,427,636, A>G. VCF-style: chr1-197427636-A-G. GRCh37 (hg19) VCF-style: chr1-197396766-A-G.
Other names: c.1975A>G, p.Arg659Gly (NM_001193640.2); c.2104A>G, p.Arg702Gly (NM_001257965.2); c.2128+5680A>G (NM_001257966.2); short protein forms R702G, R659G, R771G.
Identifiers: ClinVar variation 2167176 (VCV002167176.2), dbSNP rs369074728, ClinGen allele CA1312099.
Genomic context (GRCh38, chr1:197,427,636, plus strand): 5'-TTACTTCTAGCTTTGGAAAACAGCACTTATCAATATATCCGTGTCTGGCTAGAGCGCGGC[A>G]GACTAGCAATGCTGACTCCAAACTCTCCCAAATTAGTAGTAAAATTTGTTCTTAATGATG-3'
Protein context (NP_957705.1, residues 761-781): QYIRVWLERG[Arg771Gly]LAMLTPNSPK